The following is an entry in ClinVar:

NM_001614.5(ACTG1):c.364-12G>A

Gene: ACTG1 (actin gamma 1; minus strand). Cytogenetic location: 17q25.3.
Variant type: single nucleotide variant.
Coding change: c.364-12G>A on transcript NM_001614.5 (MANE Select); 12 bases into the intron before coding-DNA position 364, G replaced by A.
Molecular consequence: intron variant.
Genome position (GRCh38, 1-based): chr17:81,511,638, C>T on the plus strand (G>A on the coding strand, the complement: ACTG1 is on the minus strand). VCF-style: chr17-81511638-C-T. GRCh37 (hg19) VCF-style: chr17-79478664-C-T.
Other names: c.364-12G>A (NM_001199954.3).
Identifiers: ClinVar variation 3902114 (VCV003902114.1).

ClinVar aggregate classification (germline): Likely benign (1 of 4 stars; one submission).

Submission:

Women's Health and Genetics/Laboratory Corporation of America, LabCorp
Classification: Likely benign. Last evaluated: 2025-05-20. Review status: criteria provided, single submitter. Criteria: LabCorp Variant Classification Summary - May 2015. Collection method: clinical testing. Allele origin: germline.
Comment: Variant summary: ACTG1 c.364-12G>A alters a nucleotide located at a position not widely known to affect splicing. Consensus agreement among computation tools predict no significant impact on normal splicing. However, these predictions have yet to be confirmed by functional studies. The variant allele was found at a frequency of 8.1e-06 in 246940 control chromosomes (gnomAD). The available data on variant occurrences in the general population are insufficient to allow any conclusion about variant significance. To our knowledge, no occurrence of c.364-12G>A in individuals affected with ACTG1-Related Disorders and no experimental evidence demonstrating its impact on protein function have been reported. No submitters have cited clinical-significance assessments for this variant to ClinVar. Based on the evidence outlined above, the variant was classified as likely benign.